The following is an entry in ClinVar:

ClinVar aggregate classification (germline): Uncertain significance. Review status: criteria provided, multiple submitters, no conflicts (2 of 4 stars). 4 submissions from 4 submitters: Uncertain significance (4). Last evaluated 2025-01-23.

Conditions:
Inborn genetic diseases. Identifiers: MedGen C0950123, MeSH D030342.
Oculootoradial syndrome (IVIC). Also called: RADIAL RAY DEFECTS, HEARING IMPAIRMENT, EXTERNAL OPHTHALMOPLEGIA, AND THROMBOCYTOPENIA; IVIC syndrome. Identifiers: Orphanet 2307, MedGen C1327918, MONDO:0007836, OMIM 147750.
Duane-radial ray syndrome (DRRS). Also called: Okihiro Syndrome; Duane-Radial Ray Syndrome/Okihiro Syndrome; ACRORENOOCULAR SYNDROME; Duane-Radial Ray Syndrome (DRRS) / Okihiro Syndrome; DR SYNDROME; DUANE ANOMALY WITH RADIAL RAY ABNORMALITIES AND DEAFNESS. Identifiers: Orphanet 93293, Orphanet 959, MedGen C1623209, MONDO:0011812, OMIM 607323. Disease mechanism: gain of function.

Allele frequency attached by ClinVar (database versions not stated): gnomAD 0.00003; TOPMed 0.00003; ExAC 0.00004; gnomAD exomes 0.00004.
gnomAD v4.1: 41 of 1,614,060 alleles (0.0025%); highest among the groups gnomAD compares: South Asian, 0.02%; no homozygotes.

Submissions (4):

Labcorp Genetics (formerly Invitae), Labcorp
Classification: Uncertain significance for Duane-radial ray syndrome. Last evaluated: 2025-01-23. Review status: criteria provided, single submitter. Criteria: Invitae Variant Classification Sherloc (09022015). Collection method: clinical testing. Allele origin: germline.
Comment: This sequence change replaces arginine, which is basic and polar, with histidine, which is basic and polar, at codon 816 of the SALL4 protein (p.Arg816His). This variant is present in population databases (rs747560279, gnomAD 0.02%). This variant has not been reported in the literature in individuals affected with SALL4-related conditions. ClinVar contains an entry for this variant (Variation ID: 593118). An algorithm developed to predict the effect of missense changes on protein structure and function (PolyPhen-2) suggests that this variant is likely to be disruptive. In summary, the available evidence is currently insufficient to determine the role of this variant in disease. Therefore, it has been classified as a Variant of Uncertain Significance.

Ambry Genetics
Classification: Uncertain significance for Inborn genetic diseases. Last evaluated: 2024-10-20. Review status: criteria provided, single submitter. Criteria: Ambry Variant Classification Scheme 2023. Collection method: clinical testing. Allele origin: germline.

Fulgent Genetics
Classification: Uncertain significance for Oculootoradial syndrome; Duane-radial ray syndrome. Last evaluated: 2021-12-07. Review status: criteria provided, single submitter. Criteria: ACMG Guidelines, 2015. Collection method: clinical testing. Allele origin: unknown.

Eurofins Ntd Llc (ga)
Classification: Uncertain significance. Last evaluated: 2017-07-21. Review status: criteria provided, single submitter. Criteria: EGL Classification Definitions 2015. Collection method: clinical testing. Allele origin: germline. Observed: 1 variant allele, 1 heterozygote.

NM_020436.5(SALL4):c.2447G>A (p.Arg816His)

Gene: SALL4 (spalt like transcription factor 4; minus strand). Cytogenetic location: 20q13.2.
Variant type: single nucleotide variant.
Coding change: c.2447G>A on transcript NM_020436.5 (MANE Select); coding-DNA position 2447, G replaced by A.
Protein change: p.Arg816His; replaces arginine 816 with histidine.
Molecular consequence: missense variant. On other transcripts: intron variant (1).
Genome position (GRCh38, 1-based): chr20:51,790,036, C>T on the plus strand (G>A on the coding strand, the complement: SALL4 is on the minus strand). VCF-style: chr20-51790036-C-T. GRCh37 (hg19) VCF-style: chr20-50406575-C-T.
Other names: c.2447G>A (NM_020436.3); c.1151-895G>A (NM_001318031.2); short protein forms R816H.
Identifiers: ClinVar variation 593118 (VCV000593118.9), dbSNP rs747560279, ClinGen allele CA9912096.